The following is an entry in ClinVar:

ClinVar aggregate classification (germline): Uncertain significance (1 of 4 stars; one submission).

Allele frequency attached by ClinVar (database versions not stated): gnomAD exomes 0.00001; ExAC 0.00002.
gnomAD v4.1: 12 of 1,614,074 alleles (0.00074%); highest among the groups gnomAD compares: Middle Eastern, 0.017%; no homozygotes.

Submission:

Labcorp Genetics (formerly Invitae), Labcorp
Classification: Uncertain significance. Last evaluated: 2022-07-12. Review status: criteria provided, single submitter. Criteria: Invitae Variant Classification Sherloc (09022015). Collection method: clinical testing. Allele origin: germline.
Comment: In summary, the available evidence is currently insufficient to determine the role of this variant in disease. Therefore, it has been classified as a Variant of Uncertain Significance. Algorithms developed to predict the effect of missense changes on protein structure and function (SIFT, PolyPhen-2, Align-GVGD) all suggest that this variant is likely to be tolerated. This variant has not been reported in the literature in individuals affected with CLCN6-related conditions. This variant is present in population databases (rs776376078, gnomAD 0.01%). This sequence change replaces glycine, which is neutral and non-polar, with serine, which is neutral and polar, at codon 135 of the CLCN6 protein (p.Gly135Ser).

NM_001286.5(CLCN6):c.403G>A (p.Gly135Ser)

Gene: CLCN6 (chloride voltage-gated channel 6; plus strand). Cytogenetic location: 1p36.22.
Variant type: single nucleotide variant.
Coding change: c.403G>A on transcript NM_001286.5 (MANE Select); coding-DNA position 403, G replaced by A.
Protein change: p.Gly135Ser; replaces glycine 135 with serine.
Molecular consequence: missense variant. On other transcripts: non-coding transcript variant (1).
Genome position (GRCh38, 1-based): chr1:11,822,751, G>A. VCF-style: chr1-11822751-G-A. GRCh37 (hg19) VCF-style: chr1-11882808-G-A.
Other names: c.337G>A, p.Gly113Ser (NM_001256959.2); short protein forms G113S, G135S.
Identifiers: ClinVar variation 2042550 (VCV002042550.4), dbSNP rs776376078, ClinGen allele CA596058.